The following is an entry in ClinVar:

NM_004211.5(SLC6A5):c.1780T>A (p.Phe594Ile)

Gene: SLC6A5 (solute carrier family 6 member 5; plus strand). Cytogenetic location: 11p15.1.
Variant type: single nucleotide variant.
Coding change: c.1780T>A on transcript NM_004211.5 (MANE Select); coding-DNA position 1780, T replaced by A.
Protein change: p.Phe594Ile; replaces phenylalanine 594 with isoleucine.
Molecular consequence: missense variant.
Genome position (GRCh38, 1-based): chr11:20,637,214, T>A. VCF-style: chr11-20637214-T-A. GRCh37 (hg19) VCF-style: chr11-20658760-T-A.
Other names: c.1078T>A, p.Phe360Ile (NM_001318369.2); short protein forms F360I, F594I.
Identifiers: ClinVar variation 1351744 (VCV001351744.7), dbSNP rs2133809424, ClinGen allele CA379918157.

ClinVar aggregate classification (germline): Uncertain significance (1 of 4 stars; one submission).

Conditions:
Hyperekplexia 3 (HKPX3). Also called: HYPEREKPLEXIA 3, AUTOSOMAL RECESSIVE; HYPEREKPLEXIA 3, AUTOSOMAL DOMINANT. Identifiers: Orphanet 3197, MedGen C3553288, MONDO:0013827, OMIM 614618.

Submission:

Labcorp Genetics (formerly Invitae), Labcorp
Classification: Uncertain significance for Hyperekplexia 3. Last evaluated: 2022-11-08. Review status: criteria provided, single submitter. Criteria: Invitae Variant Classification Sherloc (09022015). Collection method: clinical testing. Allele origin: germline.
Comment: ClinVar contains an entry for this variant (Variation ID: 1351744). This variant has not been reported in the literature in individuals affected with SLC6A5-related conditions. In summary, the available evidence is currently insufficient to determine the role of this variant in disease. Therefore, it has been classified as a Variant of Uncertain Significance. Advanced modeling of protein sequence and biophysical properties (such as structural, functional, and spatial information, amino acid conservation, physicochemical variation, residue mobility, and thermodynamic stability) performed at Invitae indicates that this missense variant is not expected to disrupt SLC6A5 protein function. This variant is not present in population databases (gnomAD no frequency). This sequence change replaces phenylalanine, which is neutral and non-polar, with isoleucine, which is neutral and non-polar, at codon 594 of the SLC6A5 protein (p.Phe594Ile).